The following is an entry in ClinVar:

NM_001144967.3(NEDD4L):c.508A>G (p.Met170Val)

Gene: NEDD4L (NEDD4 like E3 ubiquitin protein ligase; plus strand). Cytogenetic location: 18q21.31.
Variant type: single nucleotide variant.
Coding change: c.508A>G on transcript NM_001144967.3 (MANE Select); coding-DNA position 508, A replaced by G.
Protein change: p.Met170Val; replaces methionine 170 with valine.
Molecular consequence: missense variant.
Genome position (GRCh38, 1-based): chr18:58,323,329, A>G. VCF-style: chr18-58323329-A-G. GRCh37 (hg19) VCF-style: chr18-55990561-A-G.
Other names: c.145A>G, p.Met49Val (NM_001144964.1, NM_001144965.2, NM_001144966.3 and 2 more transcripts); c.484A>G, p.Met162Val (NM_001144968.2, NM_001144969.2); c.508A>G, p.Met170Val (NM_001243960.2, NM_015277.6); short protein forms M162V, M170V, M49V.
Identifiers: ClinVar variation 1011586 (VCV001011586.10), dbSNP rs2059012885, ClinGen allele CA402552275.

ClinVar aggregate classification (germline): Uncertain significance (1 of 4 stars; one submission).

Allele frequency attached by ClinVar (database versions not stated): gnomAD exomes below 0.00001.

Submission:

Labcorp Genetics (formerly Invitae), Labcorp
Classification: Uncertain significance. Last evaluated: 2022-08-15. Review status: criteria provided, single submitter. Criteria: Invitae Variant Classification Sherloc (09022015). Collection method: clinical testing. Allele origin: germline.
Comment: This variant is not present in population databases (gnomAD no frequency). ClinVar contains an entry for this variant (Variation ID: 1011586). This variant has not been reported in the literature in individuals affected with NEDD4L-related conditions. This sequence change replaces methionine, which is neutral and non-polar, with valine, which is neutral and non-polar, at codon 170 of the NEDD4L protein (p.Met170Val). In summary, the available evidence is currently insufficient to determine the role of this variant in disease. Therefore, it has been classified as a Variant of Uncertain Significance. Algorithms developed to predict the effect of missense changes on protein structure and function (SIFT, PolyPhen-2, Align-GVGD) all suggest that this variant is likely to be tolerated.